The following is an entry in ClinVar:

NM_003401.5(XRCC4):c.851C>A (p.Pro284His)

Gene: XRCC4 (X-ray repair cross complementing 4; plus strand). Cytogenetic location: 5q14.2.
Variant type: single nucleotide variant.
Coding change: c.851C>A on transcript NM_003401.5 (MANE Select); coding-DNA position 851, C replaced by A.
Protein change: p.Pro284His; replaces proline 284 with histidine.
Molecular consequence: missense variant.
Genome position (GRCh38, 1-based): chr5:83,258,635, C>A. VCF-style: chr5-83258635-C-A. GRCh37 (hg19) VCF-style: chr5-82554454-C-A.
Other names: c.851C>A (NM_022406.2, NM_022406.4); c.851C>A, p.Pro284His (NM_001318012.3, NM_001318013.2, NM_022406.5 and 1 more transcripts); short protein forms P284H.
Identifiers: ClinVar variation 3592808 (VCV003592808.2).

ClinVar aggregate classification (germline): Uncertain significance. Review status: criteria provided, multiple submitters, no conflicts (2 of 4 stars). 2 submissions from 2 submitters: Uncertain significance (2). Last evaluated 2026-08-23.

Conditions:
Short stature, microcephaly, and endocrine dysfunction (SSMED). Identifiers: Orphanet 436182, MedGen C4225288, MONDO:0014686, OMIM 616541.
Inborn genetic diseases. Identifiers: MedGen C0950123, MeSH D030342.

gnomAD v4.1: 10 of 1,611,534 alleles (0.00062%); highest among the groups gnomAD compares: African/African-American, 0.0013%; no homozygotes.

Submissions (2):

Ambry Genetics
Classification: Uncertain significance for Inborn genetic diseases. Last evaluated: 2026-08-23. Review status: criteria provided, single submitter. Criteria: Ambry Variant Classification Scheme 2023. Collection method: clinical testing. Allele origin: germline.
Comment: The c.851C>A (p.P284H) alteration is located in exon 7 (coding exon 6) of the XRCC4 gene. This alteration results from a C to A substitution at nucleotide position 851, causing the proline (P) at amino acid position 284 to be replaced by a histidine (H). Based on data from gnomAD, the A allele has an overall frequency of 0.003% (1/31378) total alleles studied. The highest observed frequency was 0.007% (1/15414) of European (non-Finnish) alleles. Based on insufficient or conflicting evidence, the clinical significance of this alteration remains unclear.

Fulgent Genetics
Classification: Uncertain significance for Short stature, microcephaly, and endocrine dysfunction. Last evaluated: 2024-03-11. Review status: criteria provided, single submitter. Criteria: ACMG Guidelines, 2015. Collection method: clinical testing. Allele origin: germline.